The following is an entry in ClinVar:

ClinVar aggregate classification (germline): Uncertain significance (1 of 4 stars; one submission).

Conditions:
Spondyloepimetaphyseal dysplasia, PAPSS2 type. Also called: SEMD, PAKISTANI TYPE; BRACHYOLMIA TYPE 4 WITH MILD EPIPHYSEAL AND METAPHYSEAL CHANGES; SPONDYLODYSPLASIA AND PREMATURE PUBARCHE. Identifiers: Orphanet 93282, MedGen C2748516, MONDO:0019666, OMIM 612847.

Submission:

Labcorp Genetics (formerly Invitae), Labcorp
Classification: Uncertain significance for Spondyloepimetaphyseal dysplasia, PAPSS2 type. Last evaluated: 2024-09-30. Review status: criteria provided, single submitter. Criteria: Invitae Variant Classification Sherloc (09022015). Collection method: clinical testing. Allele origin: germline.
Comment: This sequence change falls in intron 12 of the PAPSS2 gene. It does not directly change the encoded amino acid sequence of the PAPSS2 protein. It affects a nucleotide within the consensus splice site. This variant is present in population databases (rs763477189, gnomAD 0.006%). This variant has not been reported in the literature in individuals affected with PAPSS2-related conditions. Variants that disrupt the consensus splice site are a relatively common cause of aberrant splicing (PMID: 17576681, 9536098). Algorithms developed to predict the effect of sequence changes on RNA splicing suggest that this variant may disrupt the consensus splice site. In summary, the available evidence is currently insufficient to determine the role of this variant in disease. Therefore, it has been classified as a Variant of Uncertain Significance.

Literature cited by the submitters: PubMed 17576681; PubMed 9536098.

NM_001015880.2(PAPSS2):c.1722-3C>T

Gene: PAPSS2 (3'-phosphoadenosine 5'-phosphosulfate synthase 2; plus strand). Cytogenetic location: 10q23.31.
Variant type: single nucleotide variant.
Coding change: c.1722-3C>T on transcript NM_001015880.2 (MANE Select); 3 bases into the intron before coding-DNA position 1722, C replaced by T.
Molecular consequence: intron variant.
Genome position (GRCh38, 1-based): chr10:87,745,829, C>T. VCF-style: chr10-87745829-C-T. GRCh37 (hg19) VCF-style: chr10-89505586-C-T.
Other names: c.1707-3C>T (NM_004670.4).
Identifiers: ClinVar variation 3614643 (VCV003614643.2).
Genomic context (GRCh38, chr10:87,745,829, plus strand): 5'-CAGGAATCCTTAAGGCAGATATCATTTACCTACACTGAGTTCTTTGTTGCCACCCTGTAA[C>T]AGGCACAATGAGTTTGACTTCATCTCAGGAACTCGAATGAGGAAGCTCGCCCGGGAAGGA-3'